The following is an entry in ClinVar:

ClinVar aggregate classification (germline): Pathogenic (1 of 4 stars; one submission).

Conditions:
Breast-ovarian cancer, familial, susceptibility to, 4. Identifiers: Orphanet 145, MedGen C3280345, MONDO:0013669, OMIM 614291.

Submission:

Labcorp Genetics (formerly Invitae), Labcorp
Classification: Pathogenic for Breast-ovarian cancer, familial, susceptibility to, 4. Last evaluated: 2020-01-01. Review status: criteria provided, single submitter. Criteria: Invitae Variant Classification Sherloc (09022015). Collection method: clinical testing. Allele origin: germline.
Comment: This variant is a gross deletion of the genomic region encompassing exon 1 of the RAD51D gene, which includes the initiator codon. The 5' end of this event is unknown as it extends beyond the assayed region for this gene and therefore may encompass additional genes. The 3' boundary is likely confined to intron 1 of the RAD51D gene. This is expected to result in an absent or disrupted protein product. A similar deletion of exon 1 has been reported in an individual affected with breast cancer (PMID: 26976419). Loss-of-function variants in RAD51D are known to be pathogenic (PMID: 21822267). For these reasons, this variant has been classified as Pathogenic.

Literature cited by the submitters: PubMed 26976419; PubMed 21822267.

NC_000017.10:g.(?_33446541)_(33446632_?)del

Gene: RAD51D (RAD51 paralog D; minus strand). Cytogenetic location: 17q12.
Variant type: Deletion.
Identifiers: ClinVar variation 1072692 (VCV001072692.1).